The following is an entry in ClinVar:

ClinVar aggregate classification (germline): Pathogenic (1 of 4 stars; one submission).

Conditions:
Glycine encephalopathy. Also called: Nonketotic hyperglycinemia; Non-ketotic hyperglycinemia. Identifiers: Orphanet 407, MedGen C0751748, MONDO:0011612, HP:0008288.

Submission:

Labcorp Genetics (formerly Invitae), Labcorp
Classification: Pathogenic for Glycine encephalopathy. Last evaluated: 2022-03-09. Review status: criteria provided, single submitter. Criteria: Invitae Variant Classification Sherloc (09022015). Collection method: clinical testing. Allele origin: germline.
Comment: This variant results in a copy number gain of the genomic region encompassing exon(s) 3 of the GLDC gene. While the exact position of this variant cannot be determined from the data, sub-genic copy number gains are generally in tandem (PMID: 25640679). This variant is predicted to be out-of-frame, and may result in an absent or disrupted protein product. Loss-of-function variants in GLDC are known to be pathogenic (PMID: 16601880). A similar copy number variant has been observed in individual(s) with GLDC-related conditions (PMID: 27362913). For these reasons, this variant has been classified as Pathogenic.

Literature cited by the submitters: PubMed 25640679; PubMed 16601880; PubMed 27362913.

NC_000009.11:g.(?_6620174)_(6620329_?)dup

Gene: GLDC (glycine decarboxylase; minus strand). Cytogenetic location: 9p24.1.
Variant type: Duplication.
Identifiers: ClinVar variation 2422520 (VCV002422520.2).